The following is an entry in ClinVar:

NM_001365276.2(TNXB):c.8201del (p.Pro2734fs)

Gene: TNXB (tenascin XB; minus strand). Cytogenetic location: 6p21.33.
Variant type: Deletion.
Coding change: c.8201del on transcript NM_001365276.2 (MANE Select); coding-DNA position 8201, one base deleted (C; older notation c.8201delC).
Protein change: p.Pro2734fs; shifts the reading frame from proline 2734.
Molecular consequence: frameshift variant.
Genome position (GRCh38, 1-based): chr6:32,056,117, G deleted on the plus strand (C on the coding strand, the reverse complement: TNXB is on the minus strand); the first of 5 consecutive G bases (chr6:32,056,117-32,056,121); deleting any one gives the same sequence. VCF-style (leftmost placement, unchanged base first): chr6-32056116-AG-A. GRCh37 (hg19) VCF-style: chr6-32023893-AG-A.
Other names: c.8201delC (NM_019105.8); c.8942del, p.Pro2981fs (NM_001428335.1); c.8201del, p.Pro2734fs (NM_019105.8); short protein forms P2734fs, P2981fs.
Identifiers: ClinVar variation 4688793 (VCV004688793.1).
Genomic context (GRCh38, chr6:32,056,116, plus strand): 5'-GAGGCTCAGCGAGTCAGGGGAGGATCCTGTCACTGTCAGCTCCCCCAGGAGCGGCTCCTC[AG>A]GGGGCTCCGGGGCCTCAGTGCTGAGTTCCGTGGGGCTGGGGGTCTCTTCCTCTGCAGCTG-3'

ClinVar aggregate classification (germline): Pathogenic (1 of 4 stars; one submission).

Conditions:
Ehlers-Danlos syndrome due to tenascin-X deficiency (EDSCLL1). Also called: EHLERS-DANLOS SYNDROME, CLASSIC-LIKE; TNX DEFICIENCY; EDS DUE TO TNX DEFICIENCY; Ehlers-Danlos syndrome, classic-like, 1; TNXB-Related Classical-Like Ehlers-Danlos Syndrome. Identifiers: Orphanet 230839, MedGen C1848029, MONDO:0011670, OMIM 606408.

Submission:

Women's Health and Genetics/Laboratory Corporation of America, LabCorp
Classification: Pathogenic for Ehlers-Danlos syndrome due to tenascin-X deficiency. Last evaluated: 2025-12-26. Review status: criteria provided, single submitter. Criteria: LabCorp Variant Classification Summary - May 2015. Collection method: clinical testing. Allele origin: germline.
Comment: Variant summary: TNXB c.8201delC (p.Pro2734LeufsX9) results in a premature termination codon, predicted to cause a truncation of the encoded protein or absence of the protein due to nonsense mediated decay, which are commonly known mechanisms for disease. The variant was absent in 243712 control chromosomes. To our knowledge, no occurrence of c.8201delC in individuals affected with TNXB-related conditions and no experimental evidence demonstrating its impact on protein function have been reported. No submitters have cited clinical-significance assessments for this variant to ClinVar. Based on the evidence outlined above, the variant was classified as pathogenic.